The following is an entry in ClinVar:

ClinVar aggregate classification (germline): Uncertain significance. Review status: criteria provided, multiple submitters, no conflicts (2 of 4 stars). 2 submissions from 2 submitters: Uncertain significance (2). Last evaluated 2025-07-24.

Conditions:
Cardiovascular phenotype. Identifiers: MedGen CN230736.

gnomAD v4.1: 1 of 1,614,020 alleles (0.000062%); highest among the groups gnomAD compares: African/African-American, 0.0013%; no homozygotes.

Submissions (2):

Ambry Genetics
Classification: Uncertain significance for Cardiovascular phenotype. Last evaluated: 2025-07-24. Review status: criteria provided, single submitter. Criteria: Ambry Variant Classification Scheme 2023. Collection method: clinical testing. Allele origin: germline.
Comment: The p.T3024I variant (also known as c.9071C>T), located in coding exon 38 of the ANK2 gene, results from a C to T substitution at nucleotide position 9071. The threonine at codon 3024 is replaced by isoleucine, an amino acid with similar properties. This amino acid position is conserved. In addition, this alteration is predicted to be tolerated by in silico analysis. Based on the available evidence, the clinical significance of this variant remains unclear.

GeneDx
Classification: Uncertain significance. Last evaluated: 2024-07-31. Review status: criteria provided, single submitter. Criteria: GeneDx Variant Classification Process June 2021. Collection method: clinical testing. Allele origin: germline. Affected: yes.
Comment: Not observed at significant frequency in large population cohorts (gnomAD); In silico analysis indicates that this missense variant does not alter protein structure/function; Has not been previously published as pathogenic or benign to our knowledge

NM_001148.6(ANK2):c.9071C>T (p.Thr3024Ile)

Gene: ANK2 (ankyrin 2; plus strand). Cytogenetic location: 4q26.
Variant type: single nucleotide variant.
Coding change: c.9071C>T on transcript NM_001148.6 (MANE Select); coding-DNA position 9071, C replaced by T.
Protein change: p.Thr3024Ile; replaces threonine 3024 with isoleucine.
Molecular consequence: missense variant. On other transcripts: intron variant (68).
Genome position (GRCh38, 1-based): chr4:113,357,689, C>T. VCF-style: chr4-113357689-C-T. GRCh37 (hg19) VCF-style: chr4-114278845-C-T.
Other names: c.4265-3134C>T (NM_001354262.2, NM_001354275.2, NM_001354245.2); c.4202-3134C>T (NM_001354253.2, NM_001354270.2); c.4166-3134C>T (NM_001354257.2, NM_001386156.1); c.4241-3134C>T (NM_001354249.2, NM_001354266.2, NM_001354276.2 and 2 more transcripts); c.4208-3134C>T (NM_001386146.1, NM_001386150.1, NM_001386149.1 and 1 more transcripts); c.4193-3134C>T (NM_001354274.2, NM_001386154.1); c.4142-3134C>T (NM_001386151.1, NM_001354260.2, NM_001354271.2); c.4043-3134C>T (NM_001386157.1, NM_001354277.2); and 35 more; short protein forms T1824I, T2946I, T3024I, T3063I, T3071I.
Identifiers: ClinVar variation 3602554 (VCV003602554.2).